The following is an entry in ClinVar:

ClinVar aggregate classification (germline): Uncertain significance. Review status: criteria provided, multiple submitters, no conflicts (2 of 4 stars). 2 submissions from 2 submitters: Uncertain significance (2). Last evaluated 2024-06-18.

Conditions:
Familial cancer of breast. Also called: BREAST CANCER, FAMILIAL; hereditary breast carcinoma; Hereditary breast cancer. Identifiers: Orphanet 227535, MedGen C0346153, MONDO:0016419, OMIM 114480. Disease mechanism: loss of function.
Hereditary cancer-predisposing syndrome. Also called: Neoplastic Syndromes, Hereditary; Tumor predisposition; Hereditary neoplastic syndrome; Hereditary Cancer Syndrome. Identifiers: Orphanet 140162, MedGen C0027672, MeSH D009386, MONDO:0015356.

Submissions (2):

St. Jude Molecular Pathology, St. Jude Children's Research Hospital
Classification: Uncertain significance for Familial cancer of breast. Last evaluated: 2024-06-18. Review status: criteria provided, single submitter. Criteria: St. Jude Assertion Criteria 2020. Collection method: clinical testing. Allele origin: germline.
Comment: The ATM c.2605G>A (p.Ala869Thr) missense change is absent in gnomAD v2.1.1. The in silico tool REVEL predicts a benign effect on protein function, but to our knowledge this prediction has not been confirmed by functional studies. To our knowledge, this variant has not been reported in individuals with ataxia telangiectasia. In summary, the evidence currently available is insufficient to determine the clinical significance of this variant. It has therefore been classified as of uncertain significance.

Ambry Genetics
Classification: Uncertain significance for Hereditary cancer-predisposing syndrome. Last evaluated: 2024-04-27. Review status: criteria provided, single submitter. Criteria: Ambry Variant Classification Scheme 2023. Collection method: clinical testing. Allele origin: germline.
Comment: The p.A869T variant (also known as c.2605G>A), located in coding exon 16 of the ATM gene, results from a G to A substitution at nucleotide position 2605. The alanine at codon 869 is replaced by threonine, an amino acid with similar properties. This amino acid position is conserved. In addition, this alteration is predicted to be tolerated by in silico analysis. Based on the available evidence, the clinical significance of this variant remains unclear.

NM_000051.4(ATM):c.2605G>A (p.Ala869Thr)

Gene: ATM (ATM serine/threonine kinase; plus strand). Cytogenetic location: 11q22.3.
Variant type: single nucleotide variant.
Coding change: c.2605G>A on transcript NM_000051.4 (MANE Select); coding-DNA position 2605, G replaced by A.
Protein change: p.Ala869Thr; replaces alanine 869 with threonine.
Molecular consequence: missense variant.
Genome position (GRCh38, 1-based): chr11:108,267,309, G>A. VCF-style: chr11-108267309-G-A. GRCh37 (hg19) VCF-style: chr11-108138036-G-A.
Other names: c.2605G>A, p.Ala869Thr (NM_001351834.2); short protein forms A869T.
Identifiers: ClinVar variation 3324587 (VCV003324587.2).